The following is an entry in ClinVar:

ClinVar aggregate classification (germline): Likely benign (0 of 4 stars; one submission).

Conditions:
DCDC2-related disorder. Also called: DCDC2-related condition.

Allele frequency attached by ClinVar (database versions not stated): gnomAD exomes below 0.00001; ExAC 0.00001.
gnomAD v4.1: 3 of 1,614,234 alleles (0.00019%); highest among the groups gnomAD compares: Non-Finnish European, 0.00025%; no homozygotes.

Submission:

PreventionGenetics, part of Exact Sciences
Classification: Likely benign for DCDC2-related condition. Last evaluated: 2021-04-22. Review status: no assertion criteria provided. Collection method: clinical testing. Allele origin: germline.
Comment: This variant is classified as likely benign based on ACMG/AMP sequence variant interpretation guidelines (Richards et al. 2015 PMID: 25741868, with internal and published modifications).

NM_016356.5(DCDC2):c.1212A>C (p.Val404=)

Gene: DCDC2 (doublecortin domain containing 2; minus strand). Cytogenetic location: 6p22.3.
Variant type: single nucleotide variant.
Coding change: c.1212A>C on transcript NM_016356.5 (MANE Select); coding-DNA position 1212, A replaced by C.
Protein change: p.Val404=; no amino-acid change (valine 404 retained).
Molecular consequence: synonymous variant.
Genome position (GRCh38, 1-based): chr6:24,178,444, T>G on the plus strand (A>C on the coding strand, the complement: DCDC2 is on the minus strand). VCF-style: chr6-24178444-T-G. GRCh37 (hg19) VCF-style: chr6-24178672-T-G.
Other names: c.1212A>C, p.Val404= (NM_001195610.2).
Identifiers: ClinVar variation 3030817 (VCV003030817.2), dbSNP rs754991150, ClinGen allele CA3654487.
Genomic context (GRCh38, chr6:24,178,444, plus strand): 5'-TTGAAGCTCATTATTAACCTGCTGCAGCTCCTCACCATTCTCCTCATCGGTGCCTCCATT[T>G]ACACGAGCAGGGCGTGCCTGCTGCTCACTGTGATCCAGAATCTCCTCGACTTGCTCAGGG-3'
Protein context (NP_057440.2, residues 394-414): HSEQQARPAR[Val404=]NGGTDEENGE